The following is an entry in ClinVar:

NM_025114.4(CEP290):c.542T>C (p.Ile181Thr)

Gene: CEP290 (centrosomal protein 290; minus strand). Cytogenetic location: 12q21.32.
Variant type: single nucleotide variant.
Coding change: c.542T>C on transcript NM_025114.4 (MANE Select); coding-DNA position 542, T replaced by C.
Protein change: p.Ile181Thr; replaces isoleucine 181 with threonine.
Molecular consequence: missense variant.
Genome position (GRCh38, 1-based): chr12:88,130,395, A>G on the plus strand (T>C on the coding strand, the complement: CEP290 is on the minus strand). VCF-style: chr12-88130395-A-G. GRCh37 (hg19) VCF-style: chr12-88524172-A-G.
Other names: short protein forms I181T.
Identifiers: ClinVar variation 3358786 (VCV003358786.2).
Genomic context (GRCh38, chr12:88,130,395, plus strand): 5'-TCTTCCCCTCTTCTTGATAAAAGTGTTTCTTTCTGTGAATCTATTTGTTTCTGGTAGTCA[A>G]TAATATCCTGACAAAGTTGTTCATTCTGAAGGTAACCAAACACAACATTCAATTACAAAA-3'
Protein context (NP_079390.3, residues 171-191): KKNEQLCQDI[Ile181Thr]DYQKQIDSQK

ClinVar aggregate classification (germline): Uncertain significance (1 of 4 stars; one submission).

Conditions:
CEP290-related disorder. Also called: CEP290-related disorders; CEP290-related condition. Identifiers: MedGen CN239314.

gnomAD v4.1: 1 of 1,608,378 alleles (0.000062%); highest among the groups gnomAD compares: Non-Finnish European, 0.000085%; no homozygotes.

Submission:

PreventionGenetics, part of Exact Sciences
Classification: Uncertain significance for CEP290-related condition. Last evaluated: 2024-11-25. Review status: criteria provided, single submitter. Criteria: ACMG Guidelines, 2015. Collection method: clinical testing. Allele origin: germline.
Comment: The CEP290 c.542T>C variant is predicted to result in the amino acid substitution p.Ile181Thr. To our knowledge, this variant has not been reported in the literature. This variant is reported in 0.00090% of alleles in individuals of European (non-Finnish) descent in gnomAD. At this time, the clinical significance of this variant is uncertain due to the absence of conclusive functional and genetic evidence.